The following is an entry in ClinVar:

NM_005732.4(RAD50):c.3031C>T (p.Gln1011Ter)

Gene: RAD50 (RAD50 double strand break repair protein; plus strand). Cytogenetic location: 5q31.1.
Variant type: single nucleotide variant.
Coding change: c.3031C>T on transcript NM_005732.4 (MANE Select); coding-DNA position 3031, C replaced by T.
Protein change: p.Gln1011Ter; replaces glutamine 1011 with a stop codon.
Molecular consequence: nonsense.
Genome position (GRCh38, 1-based): chr5:132,609,391, C>T. VCF-style: chr5-132609391-C-T. GRCh37 (hg19) VCF-style: chr5-131945083-C-T.
Other names: short protein forms Q1011*.
Identifiers: ClinVar variation 2059197 (VCV002059197.4), dbSNP rs1751045993, ClinGen allele CA360961102.
Genomic context (GRCh38, chr5:132,609,391, plus strand): 5'-GAGAAACACAAAGAAAAGATAAATGAAGATATGAGACTCATGAGACAAGATATTGATACA[C>T]AGAAGGTAGGTCTGTTTTGCTTATGATATCACTTACACCTATGACATTCTTTTCTATAGT-3'

ClinVar aggregate classification (germline): Pathogenic (1 of 4 stars; one submission).

Conditions:
Hereditary cancer-predisposing syndrome. Also called: Tumor predisposition; Hereditary Cancer Syndrome; Neoplastic Syndromes, Hereditary; Hereditary neoplastic syndrome. Identifiers: Orphanet 140162, MedGen C0027672, MeSH D009386, MONDO:0015356.

Allele frequency attached by ClinVar (database versions not stated): gnomAD exomes below 0.00001; TOPMed below 0.00001.
gnomAD v4.1: 1 of 1,613,596 alleles (0.000062%); highest among the groups gnomAD compares: Non-Finnish European, 0.000085%; no homozygotes.

Submission:

Labcorp Genetics (formerly Invitae), Labcorp
Classification: Pathogenic for Hereditary cancer-predisposing syndrome. Last evaluated: 2022-01-06. Review status: criteria provided, single submitter. Criteria: Invitae Variant Classification Sherloc (09022015). Collection method: clinical testing. Allele origin: germline.
Comment: This variant has not been reported in the literature in individuals affected with RAD50-related conditions. This variant is not present in population databases (gnomAD no frequency). This sequence change creates a premature translational stop signal (p.Gln1011*) in the RAD50 gene. It is expected to result in an absent or disrupted protein product. Loss-of-function variants in RAD50 are known to be pathogenic (PMID: 19409520). For these reasons, this variant has been classified as Pathogenic.

Literature cited by the submitters: PubMed 19409520.